The following is an entry in ClinVar:

ClinVar aggregate classification (germline): Uncertain significance (1 of 4 stars; one submission).

gnomAD v4.1: 1 of 1,551,724 alleles (0.000064%); highest among the groups gnomAD compares: Non-Finnish European, 0.000087%; no homozygotes.

Submission:

Laboratory for Molecular Medicine, Mass General Brigham Personalized Medicine
Classification: Uncertain significance. Last evaluated: 2015-09-30. Review status: criteria provided, single submitter. Criteria: LMM Criteria. Collection method: clinical testing. Allele origin: germline. Observed: 1 variant allele.
Comment: The p.Gly1475Trp variant in LOXHD1 has not been previously reported in individua ls with hearing loss. Data from large population studies is insufficient to asse ss the frequency of this variant in the general population. Computational predic tion tools and conservation analysis suggest that the p.Gly1475Trp variant may i mpact the protein, though this information is not predictive enough to determine pathogenicity. In summary, the clinical significance of the p.Gly1475Trp varian t is uncertain.

NM_001384474.1(LOXHD1):c.4423G>T (p.Gly1475Trp)

Gene: LOXHD1 (lipoxygenase homology PLAT domains 1; minus strand). Cytogenetic location: 18q21.1.
Variant type: single nucleotide variant.
Coding change: c.4423G>T on transcript NM_001384474.1 (MANE Select); coding-DNA position 4423, G replaced by T.
Protein change: p.Gly1475Trp; replaces glycine 1475 with tryptophan.
Molecular consequence: missense variant.
Genome position (GRCh38, 1-based): chr18:46,529,284, C>A on the plus strand (G>T on the coding strand, the complement: LOXHD1 is on the minus strand). VCF-style: chr18-46529284-C-A. GRCh37 (hg19) VCF-style: chr18-44109247-C-A.
Other names: c.1090G>T, p.Gly364Trp (NM_001145472.3); c.802G>T, p.Gly268Trp (NM_001308013.2); c.4423G>T, p.Gly1475Trp (NM_144612.7); short protein forms G1475W, G268W, G364W.
Identifiers: ClinVar variation 228827 (VCV000228827.4), dbSNP rs779091317, ClinGen allele CA10577074.